The following is an entry in ClinVar:

NM_002528.7(NTHL1):c.589C>A (p.Pro197Thr)

Gene: NTHL1 (nth like DNA glycosylase 1; minus strand). Cytogenetic location: 16p13.3.
Variant type: single nucleotide variant.
Coding change: c.589C>A on transcript NM_002528.7 (MANE Select); coding-DNA position 589, C replaced by A.
Protein change: p.Pro197Thr; replaces proline 197 with threonine.
Molecular consequence: missense variant.
Genome position (GRCh38, 1-based): chr16:2,043,663, G>T on the plus strand (C>A on the coding strand, the complement: NTHL1 is on the minus strand). VCF-style: chr16-2043663-G-T. GRCh37 (hg19) VCF-style: chr16-2093664-G-T.
Other names: c.418C>A, p.Pro140Thr (NM_001318193.2); c.259C>A, p.Pro87Thr (NM_001318194.2); short protein forms P87T, P140T, P197T.
Identifiers: ClinVar variation 5025883 (VCV005025883.1).
Genomic context (GRCh38, chr16:2,043,663, plus strand): 5'-CCAGGTGTGCCATCTTGGGCCCAACACCCGGCAGCGCCACCAGCTCGGCCACAGAGGCTG[G>T]GATGTCCCCACCGTAGTGCTGCTGCAGGATGGCGCTGGTCTGCTTGATGTATTTCACCTT-3'
Protein context (NP_002519.2, residues 187-207): ILQQHYGGDI[Pro197Thr]ASVAELVALP

ClinVar aggregate classification (germline): Uncertain significance (1 of 4 stars; one submission).

Conditions:
Hereditary cancer-predisposing syndrome. Also called: Neoplastic Syndromes, Hereditary; Tumor predisposition; Hereditary neoplastic syndrome; Hereditary Cancer Syndrome. Identifiers: Orphanet 140162, MedGen C0027672, MeSH D009386, MONDO:0015356.

Submission:

Ambry Genetics
Classification: Uncertain significance for Hereditary cancer-predisposing syndrome. Last evaluated: 2026-07-06. Review status: criteria provided, single submitter. Criteria: Ambry Variant Classification Scheme 2023. Collection method: clinical testing. Allele origin: germline.
Comment: The p.P205T variant (also known as c.613C>A), located in coding exon 4 of the NTHL1 gene, results from a C to A substitution at nucleotide position 613. The proline at codon 205 is replaced by threonine, an amino acid with highly similar properties. This amino acid position is conserved. In addition, this alteration is predicted to be deleterious by in silico analysis. Based on the available evidence, the clinical significance of this variant remains unclear.